The following is an entry in ClinVar:

ClinVar aggregate classification (germline): Conflicting classifications of pathogenicity. Review status: criteria provided, conflicting classifications (1 of 4 stars). 2 submissions from 2 submitters: Uncertain significance (1); Likely benign (1). Last evaluated 2025-02-21.

Conditions:
Cardiovascular phenotype. Identifiers: MedGen CN230736.
Long QT syndrome (LQTS). Identifiers: MedGen C0023976, MeSH D008133, MONDO:0002442. Disease mechanism: loss of function. Inheritance: Various modes of inheritance.

Allele frequency attached by ClinVar (database versions not stated): gnomAD exomes below 0.00001.
gnomAD v4.1: 1 of 1,614,118 alleles (0.000062%); highest among the groups gnomAD compares: Admixed American, 0.0017%; no homozygotes.

Submissions (2):

Ambry Genetics
Classification: Likely benign for Cardiovascular phenotype. Last evaluated: 2025-02-21. Review status: criteria provided, single submitter. Criteria: Ambry Variant Classification Scheme 2023. Collection method: clinical testing. Allele origin: germline.

Labcorp Genetics (formerly Invitae), Labcorp
Classification: Uncertain significance for Long QT syndrome. Last evaluated: 2019-12-08. Review status: criteria provided, single submitter. Criteria: Invitae Variant Classification Sherloc (09022015). Collection method: clinical testing. Allele origin: germline.
Comment: This variant has not been reported in the literature in individuals with ANK2-related conditions. This variant is not present in population databases (ExAC no frequency). This sequence change replaces aspartic acid with asparagine at codon 2700 of the ANK2 protein (p.Asp2700Asn). The aspartic acid residue is moderately conserved and there is a small physicochemical difference between aspartic acid and asparagine. Algorithms developed to predict the effect of missense changes on protein structure and function are either unavailable or do not agree on the potential impact of this missense change (SIFT: "Tolerated"; PolyPhen-2: "Probably Damaging"; Align-GVGD: "Class C0"). In summary, the available evidence is currently insufficient to determine the role of this variant in disease. Therefore, it has been classified as a Variant of Uncertain Significance.

NM_001148.6(ANK2):c.8098G>A (p.Asp2700Asn)

Gene: ANK2 (ankyrin 2; plus strand). Cytogenetic location: 4q26.
Variant type: single nucleotide variant.
Coding change: c.8098G>A on transcript NM_001148.6 (MANE Select); coding-DNA position 8098, G replaced by A.
Protein change: p.Asp2700Asn; replaces aspartic acid 2700 with asparagine.
Molecular consequence: missense variant. On other transcripts: intron variant (68).
Genome position (GRCh38, 1-based): chr4:113,356,716, G>A. VCF-style: chr4-113356716-G-A. GRCh37 (hg19) VCF-style: chr4-114277872-G-A.
Other names: c.4376-4107G>A (NM_001354254.2); c.4397-4107G>A (NM_001354239.2, NM_001354252.2); c.4298-4107G>A (NM_001354272.2); c.4361-4107G>A (NM_001354244.2, NM_001354256.2, NM_001386161.1); c.4400-4107G>A (NM_001127493.3); c.4364-4107G>A (NM_001386143.1, NM_001354243.2, NM_001354255.2); c.4265-4107G>A (NM_001354262.2, NM_001354275.2, NM_001354245.2); c.4202-4107G>A (NM_001354253.2, NM_001354270.2); and 35 more; short protein forms D2700N, D1500N, D2622N, D2739N, D2747N.
Identifiers: ClinVar variation 864471 (VCV000864471.7), dbSNP rs1275616940, ClinGen allele CA357933027.